The following is an entry in ClinVar:

ClinVar aggregate classification (germline): Pathogenic (1 of 4 stars; one submission).

Submission:

Labcorp Genetics (formerly Invitae), Labcorp
Classification: Pathogenic. Last evaluated: 2022-03-23. Review status: criteria provided, single submitter. Criteria: Invitae Variant Classification Sherloc (09022015). Collection method: clinical testing. Allele origin: germline.
Comment: For these reasons, this variant has been classified as Pathogenic. This variant disrupts a region of the C1QBP protein in which other variant(s) (p.Arg246*) have been determined to be pathogenic (Invitae). This suggests that this is a clinically significant region of the protein, and that variants that disrupt it are likely to be disease-causing. This variant has not been reported in the literature in individuals affected with C1QBP-related conditions. This variant is a gross deletion of the genomic region encompassing exon(s) 4-6 of the C1QBP gene, which includes the termination codon. This deletion extends beyond the assayed region for this gene and therefore may encompass additional genes. While this deletion is not anticipated to lead to nonsense mediated decay, it is expected to alter mRNA translation or result in a truncated protein product.

NC_000017.10:g.(?_5336335)_(5337107_?)del

Genes: C1QBP (complement C1q binding protein; minus strand), RPAIN (RPA interacting protein; plus strand). Cytogenetic location: 17p13.2.
Variant type: Deletion.
Identifiers: ClinVar variation 2423977 (VCV002423977.3).